The following is an entry in ClinVar:

ClinVar aggregate classification (germline): Uncertain significance. Review status: criteria provided, multiple submitters, no conflicts (2 of 4 stars). 4 submissions from 4 submitters: Uncertain significance (3). 1 of the submissions does not count toward it. Last evaluated 2021-12-20.

Conditions:
Retinal dystrophy. Also called: Inherited retinal dystrophy. Identifiers: Orphanet 71862, MedGen C0854723, MeSH D058499, MONDO:0019118, HP:0000556.

Submissions (4):

Blueprint Genetics
Classification: Uncertain significance. Last evaluated: 2021-12-20. Review status: criteria provided, single submitter. Criteria: ACMG Guidelines, 2015. Collection method: clinical testing. Allele origin: germline.

Labcorp Genetics (formerly Invitae), Labcorp
Classification: Uncertain significance. Last evaluated: 2020-03-20. Review status: criteria provided, single submitter. Criteria: Invitae Variant Classification Sherloc (09022015). Collection method: clinical testing. Allele origin: germline.
Comment: This sequence change replaces tryptophan with serine at codon 1724 of the ABCA4 protein (p.Trp1724Ser). The tryptophan residue is highly conserved and there is a large physicochemical difference between tryptophan and serine. This variant has not been reported in the literature in individuals with ABCA4-related conditions. ClinVar contains an entry for this variant (Variation ID: 806161). In summary, the available evidence is currently insufficient to determine the role of this variant in disease. Therefore, it has been classified as a Variant of Uncertain Significance. Algorithms developed to predict the effect of missense changes on protein structure and function (SIFT, PolyPhen-2, Align-GVGD) all suggest that this variant is likely to be disruptive, but these predictions have not been confirmed by published functional studies and their clinical significance is uncertain. This variant is not present in population databases (ExAC no frequency).

CeGaT Center for Human Genetics Tuebingen
Classification: Uncertain significance. Last evaluated: 2019-11-01. Review status: criteria provided, single submitter. Criteria: CeGaT Center For Human Genetics Tuebingen Variant Classification Criteria Version 2. Collection method: clinical testing. Allele origin: germline. Affected: yes. Observed: 1 variant allele.

Institute of Human Genetics, Univ. Regensburg, Univ. Regensburg
Classification: Likely pathogenic for Retinal dystrophy. Last evaluated: 2018-01-01. Review status: no assertion criteria provided. Criteria: ACMG Guidelines, 2015. Collection method: clinical testing. Allele origin: germline. Affected: yes. Not counted in ClinVar's aggregate classification.

NM_000350.3(ABCA4):c.5171G>C (p.Trp1724Ser)

Gene: ABCA4 (ATP binding cassette subfamily A member 4; minus strand). Cytogenetic location: 1p22.1.
Variant type: single nucleotide variant.
Coding change: c.5171G>C on transcript NM_000350.3 (MANE Select); coding-DNA position 5171, G replaced by C.
Protein change: p.Trp1724Ser; replaces tryptophan 1724 with serine.
Molecular consequence: missense variant.
Genome position (GRCh38, 1-based): chr1:94,019,607, C>G on the plus strand (G>C on the coding strand, the complement: ABCA4 is on the minus strand). VCF-style: chr1-94019607-C-G. GRCh37 (hg19) VCF-style: chr1-94485163-C-G.
Other names: c.4949G>C, p.Trp1650Ser (NM_001425324.1); short protein forms W1724S, W1650S.
Identifiers: ClinVar variation 806161 (VCV000806161.50), dbSNP rs1571256634, ClinGen allele CA341282559.